The following is an entry in ClinVar:

ClinVar aggregate classification (germline): Uncertain significance (1 of 4 stars; one submission).

Allele frequency attached by ClinVar (database versions not stated): gnomAD exomes below 0.00001.
gnomAD v4.1: 1 of 1,614,144 alleles (0.000062%); highest among the groups gnomAD compares: Admixed American, 0.0017%; no homozygotes.

Submission:

Labcorp Genetics (formerly Invitae), Labcorp
Classification: Uncertain significance. Last evaluated: 2022-07-03. Review status: criteria provided, single submitter. Criteria: Invitae Variant Classification Sherloc (09022015). Collection method: clinical testing. Allele origin: germline.
Comment: This sequence change replaces proline, which is neutral and non-polar, with leucine, which is neutral and non-polar, at codon 654 of the TOP3A protein (p.Pro654Leu). In summary, the available evidence is currently insufficient to determine the role of this variant in disease. Therefore, it has been classified as a Variant of Uncertain Significance. Algorithms developed to predict the effect of missense changes on protein structure and function are either unavailable or do not agree on the potential impact of this missense change (SIFT: "Not Available"; PolyPhen-2: "Benign"; Align-GVGD: "Not Available"). This variant has not been reported in the literature in individuals affected with TOP3A-related conditions. This variant is not present in population databases (gnomAD no frequency).

NM_004618.5(TOP3A):c.1961C>T (p.Pro654Leu)

Gene: TOP3A (DNA topoisomerase III alpha; minus strand). Cytogenetic location: 17p11.2.
Variant type: single nucleotide variant.
Coding change: c.1961C>T on transcript NM_004618.5 (MANE Select); coding-DNA position 1961, C replaced by T.
Protein change: p.Pro654Leu; replaces proline 654 with leucine.
Molecular consequence: missense variant.
Genome position (GRCh38, 1-based): chr17:18,282,758, G>A on the plus strand (C>T on the coding strand, the complement: TOP3A is on the minus strand). VCF-style: chr17-18282758-G-A. GRCh37 (hg19) VCF-style: chr17-18186072-G-A.
Other names: c.1676C>T, p.Pro559Leu (NM_001320759.2); short protein forms P654L, P559L.
Identifiers: ClinVar variation 2013655 (VCV002013655.4), dbSNP rs2545596795, ClinGen allele CA398627973.